The following is an entry in ClinVar:

ClinVar aggregate classification (germline): Uncertain significance. Review status: criteria provided, multiple submitters, no conflicts (2 of 4 stars). 2 submissions from 2 submitters: Uncertain significance (2). Last evaluated 2022-10-03.

Conditions:
Inborn genetic diseases. Identifiers: MedGen C0950123, MeSH D030342.

gnomAD v4.1: 45 of 1,612,734 alleles (0.0028%); highest among the groups gnomAD compares: South Asian, 0.029%; 1 homozygote.

Submissions (2):

Ambry Genetics
Classification: Uncertain significance for Inborn genetic diseases. Last evaluated: 2022-10-03. Review status: criteria provided, single submitter. Criteria: Ambry Variant Classification Scheme 2023. Collection method: clinical testing. Allele origin: germline.

Labcorp Genetics (formerly Invitae), Labcorp
Classification: Uncertain significance. Last evaluated: 2022-06-20. Review status: criteria provided, single submitter. Criteria: Invitae Variant Classification Sherloc (09022015). Collection method: clinical testing. Allele origin: germline.
Comment: This sequence change replaces arginine, which is basic and polar, with glycine, which is neutral and non-polar, at codon 62 of the ADAMTS10 protein (p.Arg62Gly). This variant is present in population databases (rs370636862, gnomAD 0.03%). This variant has not been reported in the literature in individuals affected with ADAMTS10-related conditions. Algorithms developed to predict the effect of missense changes on protein structure and function output the following: SIFT: "Deleterious"; PolyPhen-2: "Possibly Damaging"; Align-GVGD: "Class C25". The glycine amino acid residue is found in multiple mammalian species, which suggests that this missense change does not adversely affect protein function. In summary, the available evidence is currently insufficient to determine the role of this variant in disease. Therefore, it has been classified as a Variant of Uncertain Significance.

NM_030957.4(ADAMTS10):c.184C>G (p.Arg62Gly)

Gene: ADAMTS10 (ADAM metallopeptidase with thrombospondin type 1 motif 10; minus strand). Cytogenetic location: 19p13.2.
Variant type: single nucleotide variant.
Coding change: c.184C>G on transcript NM_030957.4 (MANE Select); coding-DNA position 184, C replaced by G.
Protein change: p.Arg62Gly; replaces arginine 62 with glycine.
Molecular consequence: missense variant.
Genome position (GRCh38, 1-based): chr19:8,605,263, G>C on the plus strand (C>G on the coding strand, the complement: ADAMTS10 is on the minus strand). VCF-style: chr19-8605263-G-C. GRCh37 (hg19) VCF-style: chr19-8670148-G-C.
Other names: c.184C>G (NM_030957.2); short protein forms R62G.
Identifiers: ClinVar variation 1410130 (VCV001410130.6), dbSNP rs370636862, ClinGen allele CA9160910.